The following is an entry in ClinVar:

NM_001111067.4(ACVR1):c.478C>G (p.Arg160Gly)

Gene: ACVR1 (activin A receptor type 1; minus strand). Cytogenetic location: 2q24.1.
Variant type: single nucleotide variant.
Coding change: c.478C>G on transcript NM_001111067.4 (MANE Select); coding-DNA position 478, C replaced by G.
Protein change: p.Arg160Gly; replaces arginine 160 with glycine.
Molecular consequence: missense variant.
Genome position (GRCh38, 1-based): chr2:157,778,196, G>C on the plus strand (C>G on the coding strand, the complement: ACVR1 is on the minus strand). VCF-style: chr2-157778196-G-C. GRCh37 (hg19) VCF-style: chr2-158634708-G-C.
Other names: c.478C>G, p.Arg160Gly (NM_001105.5, NM_001347663.1, NM_001347664.1 and 3 more transcripts); short protein forms R160G.
Identifiers: ClinVar variation 4748403 (VCV004748403.1).

ClinVar aggregate classification (germline): Uncertain significance (1 of 4 stars; one submission).

gnomAD v4.1: 11 of 1,613,968 alleles (0.00068%); highest among the groups gnomAD compares: Admixed American, 0.01%; no homozygotes.

Submission:

Labcorp Genetics (formerly Invitae), Labcorp
Classification: Uncertain significance. Last evaluated: 2025-11-16. Review status: criteria provided, single submitter. Criteria: Invitae Variant Classification Sherloc (09022015). Collection method: clinical testing. Allele origin: germline.
Comment: This sequence change replaces arginine, which is basic and polar, with glycine, which is neutral and non-polar, at codon 160 of the ACVR1 protein (p.Arg160Gly). This variant is present in population databases (rs188547477, gnomAD 0.006%). This variant has not been reported in the literature in individuals affected with ACVR1-related conditions. An algorithm developed to predict the effect of missense changes on protein structure and function (PolyPhen-2) suggests that this variant is likely to be disruptive. In summary, the available evidence is currently insufficient to determine the role of this variant in disease. Therefore, it has been classified as a Variant of Uncertain Significance.